The following is an entry in ClinVar:

NM_005559.4(LAMA1):c.8447G>A (p.Arg2816Gln)

Gene: LAMA1 (laminin subunit alpha 1; minus strand). Cytogenetic location: 18p11.31.
Variant type: single nucleotide variant.
Coding change: c.8447G>A on transcript NM_005559.4 (MANE Select); coding-DNA position 8447, G replaced by A.
Protein change: p.Arg2816Gln; replaces arginine 2816 with glutamine.
Molecular consequence: missense variant.
Genome position (GRCh38, 1-based): chr18:6,949,210, C>T on the plus strand (G>A on the coding strand, the complement: LAMA1 is on the minus strand). VCF-style: chr18-6949210-C-T. GRCh37 (hg19) VCF-style: chr18-6949209-C-T.
Other names: short protein forms R2816Q.
Identifiers: ClinVar variation 498402 (VCV000498402.19), dbSNP rs200996196, ClinGen allele CA8880468.

ClinVar aggregate classification (germline): Conflicting classifications of pathogenicity. Review status: criteria provided, conflicting classifications (1 of 4 stars). 4 submissions from 4 submitters: Uncertain significance (1); Benign (1); Likely benign (2). Last evaluated 2025-05-17.

Allele frequency attached by ClinVar (database versions not stated): ESP Exome Variant Server 0.00008; gnomAD exomes 0.00018 and 0.00056; gnomAD 0.00019 and 0.00031; TOPMed 0.00028; ExAC 0.00055; 1000 Genomes Project 30x 0.00156; 1000 Genomes Project 0.00180.
gnomAD v4.1: 324 of 1,614,188 alleles (0.02%); highest among the groups gnomAD compares: East Asian, 0.43%; no homozygotes.

Submissions (4):

Labcorp Genetics (formerly Invitae), Labcorp
Classification: Benign. Last evaluated: 2025-05-17. Review status: criteria provided, single submitter. Criteria: Invitae Variant Classification Sherloc (09022015). Collection method: clinical testing. Allele origin: germline.

Blueprint Genetics
Classification: Likely benign. Last evaluated: 2024-10-24. Review status: criteria provided, single submitter. Criteria: ACMG Guidelines, 2015. Collection method: clinical testing. Allele origin: germline.

Women's Health and Genetics/Laboratory Corporation of America, LabCorp
Classification: Likely benign. Last evaluated: 2024-08-26. Review status: criteria provided, single submitter. Criteria: LabCorp Variant Classification Summary - May 2015. Collection method: clinical testing. Allele origin: germline.
Comment: Variant summary: LAMA1 c.8447G>A (p.Arg2816Gln) results in a conservative amino acid change located in the Laminin G domain (IPR001791) of the encoded protein sequence. Five of five in-silico tools predict a benign effect of the variant on protein function. The variant allele was found at a frequency of 0.00056 in 251482 control chromosomes, predominantly at a frequency of 0.0066 within the East Asian subpopulation in the gnomAD database, including 1 homozygotes. The observed variant frequency within East Asian control individuals in the gnomAD database exceeds the estimated maximal expected allele frequency for a pathogenic variant in LAMA1 causing Ataxia-Intellectual Disability-Oculomotor Apraxia-Cerebellar Cysts Syndrome phenotype. To our knowledge, no occurrence of c.8447G>A in individuals affected with Ataxia-Intellectual Disability-Oculomotor Apraxia-Cerebellar Cysts Syndrome and no experimental evidence demonstrating its impact on protein function have been reported. ClinVar contains an entry for this variant (Variation ID: 498402). Based on the evidence outlined above, the variant was classified as likely benign.

Eurofins Ntd Llc (ga)
Classification: Uncertain significance. Last evaluated: 2016-11-02. Review status: criteria provided, single submitter. Criteria: EGL Classification Definitions 2015. Collection method: clinical testing. Allele origin: germline. Observed: 1 variant allele, 1 heterozygote.